The following is an entry in ClinVar:

NM_003659.4(AGPS):c.1815A>C (p.Glu605Asp)

Gene: AGPS (alkylglycerone phosphate synthase; plus strand). Cytogenetic location: 2q31.2.
Variant type: single nucleotide variant.
Coding change: c.1815A>C on transcript NM_003659.4 (MANE Select); coding-DNA position 1815, A replaced by C.
Protein change: p.Glu605Asp; replaces glutamic acid 605 with aspartic acid.
Molecular consequence: missense variant.
Genome position (GRCh38, 1-based): chr2:177,523,765, A>C. VCF-style: chr2-177523765-A-C. GRCh37 (hg19) VCF-style: chr2-178388493-A-C.
Other names: short protein forms E605D.
Identifiers: ClinVar variation 3686876 (VCV003686876.2).

ClinVar aggregate classification (germline): Uncertain significance (1 of 4 stars; one submission).

Submission:

Labcorp Genetics (formerly Invitae), Labcorp
Classification: Uncertain significance. Last evaluated: 2024-06-03. Review status: criteria provided, single submitter. Criteria: Invitae Variant Classification Sherloc (09022015). Collection method: clinical testing. Allele origin: germline.
Comment: This sequence change replaces glutamic acid, which is acidic and polar, with aspartic acid, which is acidic and polar, at codon 605 of the AGPS protein (p.Glu605Asp). This variant is not present in population databases (gnomAD no frequency). This variant has not been reported in the literature in individuals affected with AGPS-related conditions. Advanced modeling of protein sequence and biophysical properties (such as structural, functional, and spatial information, amino acid conservation, physicochemical variation, residue mobility, and thermodynamic stability) performed at Invitae indicates that this missense variant is expected to disrupt AGPS protein function with a positive predictive value of 80%. In summary, the available evidence is currently insufficient to determine the role of this variant in disease. Therefore, it has been classified as a Variant of Uncertain Significance.